The following is an entry in ClinVar:

ClinVar aggregate classification (germline): Likely benign. Review status: criteria provided, multiple submitters, no conflicts (2 of 4 stars). 2 submissions from 2 submitters: Likely benign (2). Last evaluated 2026-06-03.

Conditions:
MAK-related disorder. Also called: MAK-related condition.

Allele frequency attached by ClinVar (database versions not stated): gnomAD exomes 0.00001 and 0.00003.
gnomAD v4.1: 41 of 1,613,904 alleles (0.0025%); highest among the groups gnomAD compares: Non-Finnish European, 0.0033%; no homozygotes.

Submissions (2):

PreventionGenetics, part of Exact Sciences
Classification: Likely benign for MAK-related condition. Last evaluated: 2026-06-03. Review status: criteria provided, single submitter. Criteria: ACMG Guidelines, 2015. Collection method: clinical testing. Allele origin: germline.
Comment: This variant is classified as likely benign based on ACMG/AMP sequence variant interpretation guidelines (Richards et al. 2015 PMID: 25741868, with internal and published modifications).

Labcorp Genetics (formerly Invitae), Labcorp
Classification: Likely benign. Last evaluated: 2024-02-22. Review status: criteria provided, single submitter. Criteria: Invitae Variant Classification Sherloc (09022015). Collection method: clinical testing. Allele origin: germline.

NM_001242957.3(MAK):c.1251C>G (p.Ala417=)

Gene: MAK (male germ cell associated kinase; minus strand). Cytogenetic location: 6p24.2.
Variant type: single nucleotide variant.
Coding change: c.1251C>G on transcript NM_001242957.3 (MANE Select); coding-DNA position 1251, C replaced by G.
Protein change: p.Ala417=; no amino-acid change (alanine 417 retained).
Molecular consequence: synonymous variant. On other transcripts: non-coding transcript variant (2).
Genome position (GRCh38, 1-based): chr6:10,791,740, G>C on the plus strand (C>G on the coding strand, the complement: MAK is on the minus strand). VCF-style: chr6-10791740-G-C. GRCh37 (hg19) VCF-style: chr6-10791973-G-C.
Other names: c.1251C>G (NM_001242957.2); c.1251C>G, p.Ala417= (NM_001242385.2, NM_005906.6); c.1149C>G, p.Ala383= (NM_001377262.1).
Identifiers: ClinVar variation 1132900 (VCV001132900.10), dbSNP rs1028582591, ClinGen allele CA134112392.